The following is an entry in ClinVar:

NM_001371596.2(MFSD8):c.547G>T (p.Gly183Cys)

Gene: MFSD8 (major facilitator superfamily domain containing 8; minus strand). Cytogenetic location: 4q28.2.
Variant type: single nucleotide variant.
Coding change: c.547G>T on transcript NM_001371596.2 (MANE Select); coding-DNA position 547, G replaced by T.
Protein change: p.Gly183Cys; replaces glycine 183 with cysteine.
Molecular consequence: missense variant. On other transcripts: intron variant (4).
Genome position (GRCh38, 1-based): chr4:127,942,051, C>A on the plus strand (G>T on the coding strand, the complement: MFSD8 is on the minus strand). VCF-style: chr4-127942051-C-A. GRCh37 (hg19) VCF-style: chr4-128863206-C-A.
Other names: c.547G>T, p.Gly183Cys (NM_001363520.3, NM_001371591.2, NM_001371592.2 and 2 more transcripts); c.412G>T, p.Gly138Cys (NM_001371590.2, NM_001371595.1); c.304+1701G>T (NM_001410765.1); c.439+1701G>T (NM_001363521.3, NM_001410766.1, NM_001371593.2); short protein forms G138C, G183C.
Identifiers: ClinVar variation 2433742 (VCV002433742.5), dbSNP rs2546153020, ClinGen allele CA358176006.
Genomic context (GRCh38, chr4:127,942,051, plus strand): 5'-CCTCAAAAGTTTTCCCAATTCAAATTCAAGTAATGACATGTGAAGAACACCTACCTGGAC[C>A]TAGAATAAAACCTAATGCTTGACACATGCTTATGTTTGCCATGGAACTTGTTCTTTCCTG-3'
Protein context (NP_001358525.1, residues 173-193): SMCQALGFIL[Gly183Cys]PVFQTCFTFL

ClinVar aggregate classification (germline): Conflicting classifications of pathogenicity. Review status: criteria provided, conflicting classifications (1 of 4 stars). 3 submissions from 3 submitters: Likely pathogenic (1); Uncertain significance (2). Last evaluated 2025-08-18.

Conditions:
Neuronal ceroid lipofuscinosis 7 (CLN7). Also called: MFSD8-Related Neuronal Ceroid-Lipofuscinosis. Identifiers: Orphanet 168491, Orphanet 228366, MedGen C1838571, MONDO:0012588, OMIM 610951.

Submissions (3):

Diagnostics Services (NGS), CSIR - Centre For Cellular And Molecular Biology
Classification: Likely pathogenic for Neuronal ceroid lipofuscinosis 7. Last evaluated: 2025-08-18. Review status: criteria provided, single submitter. Criteria: ACMG Guidelines, 2015. Collection method: clinical testing. Allele origin: germline. Affected: yes. Observed: 2 variant alleles, 2 homozygotes.
Comment: The c.547G>T variant is not present in publicly available population databases like 1000 Genomes, EVS, gnomAD, Indian Exome Database or our internal database. This variant has not been published in literature in individuals affected with MFSD8-related conditions. It has been previously reported to the ClinVar database (Accession ID: VCV002433742.2) as ‘Uncertain Significance’ by a single submitter. In-silico pathogenicity prediction programs like SIFT, Polyphen-2, MutationTaster2021, CADD, etc predicted this variant to be likely deleterious; however, these predictions were not confirmed by any published functional studies. The variant has been classified as likely pathogenic following the ACMG criteria PM2, PP1, PP3. This variant has been observed in two affected siblings from a single family.

Revvity Omics, Revvity
Classification: Uncertain significance. Last evaluated: 2025-07-14. Review status: criteria provided, single submitter. Criteria: ACMG Guidelines, 2015. Collection method: clinical testing. Allele origin: germline.

GeneDx
Classification: Uncertain significance. Last evaluated: 2025-05-28. Review status: criteria provided, single submitter. Criteria: GeneDx Variant Classification Process June 2021. Collection method: clinical testing. Allele origin: germline. Affected: yes.
Comment: Not observed at significant frequency in large population cohorts (gnomAD); In silico analysis supports that this missense variant has a deleterious effect on protein structure/function; Has not been previously published as pathogenic or benign to our knowledge